The following is an entry in ClinVar:

NM_004463.3(FGD1):c.1068del (p.Val357fs)

Gene: FGD1 (FYVE, RhoGEF and PH domain containing 1; minus strand). Cytogenetic location: Xp11.22.
Variant type: Deletion.
Coding change: c.1068del on transcript NM_004463.3 (MANE Select); coding-DNA position 1068, one base deleted (A; older notation c.1068delA).
Protein change: p.Val357fs; shifts the reading frame from valine 357.
Molecular consequence: frameshift variant.
Genome position (GRCh38, 1-based): chrX:54,470,049, T deleted on the plus strand (A on the coding strand, the reverse complement: FGD1 is on the minus strand). VCF-style (leftmost placement, unchanged base first): chrX-54470048-CT-C. GRCh37 (hg19) VCF-style: chrX-54496481-CT-C.
Other names: short protein forms V357fs.
Identifiers: ClinVar variation 4531337 (VCV004531337.1).
Genomic context (GRCh38, chrX:54,470,048, plus strand): 5'-CTGCCTCTCGGTGAACACAGGTCAGTACCTCCACAGACTCCTGTCTCTCCATCAGGGGCA[CT>C]GGGATTTCTCTGTCCTTCTCTTCCTCCTCCTCCTCGTCGTCCTCCTCCTCCAGGTCACTG-3'

ClinVar aggregate classification (germline): Pathogenic (1 of 4 stars; one submission).

Conditions:
Aarskog syndrome (AAS). Also called: Aarskog Scott syndrome; Aarskog disease; Aarskog-Scott syndrome, X-linked; FGD1-Related Faciogenital Dysplasia (Aarskog-Scott Syndrome); FGDY. Identifiers: Orphanet 915, MedGen C0175701, MONDO:0010589, OMIM 305400.

Submission:

Victorian Clinical Genetics Services, Murdoch Childrens Research Institute
Classification: Pathogenic for Aarskog syndrome. Last evaluated: 2025-09-30. Review status: criteria provided, single submitter. Criteria: ACMG Guidelines, 2015. Collection method: clinical testing. Allele origin: germline. Affected: yes.
Comment: This variant is classified as Pathogenic. Evidence in support of pathogenic classification: Variant is predicted to cause nonsense-mediated decay (NMD) and loss of protein (premature termination codon is located at least 54 nucleotides upstream of the final exon-exon junction); Variant is absent from gnomAD (v2, v3 and v4); Other NMD-predicted variants comparable to the one identified in this case have very strong previous evidence for pathogenicity (DECIPHER); Strong phenotype match for this individual. Additional information: This variant is hemizygous; This gene is associated with X-linked recessive disease. Heterozygous females can present with some features of the condition if X-inactivation is skewed (OMIM); This variant has no previous evidence of pathogenicity; No published evidence of segregation with disease has been identified for this variant; No published functional evidence has been identified for this variant; Loss of function is a known mechanism of disease in this gene and is associated with Aarskog-Scott syndrome (MIM#305400).